The following is an entry in ClinVar:

ClinVar aggregate classification (germline): Uncertain significance (1 of 4 stars; one submission).

Conditions:
Generalized epilepsy with febrile seizures plus, type 7 (GEFSP7). Also called: GEFS+, TYPE 7. Identifiers: Orphanet 36387, MedGen C2751778, MONDO:0013470, OMIM 613863.
Neuropathy, hereditary sensory and autonomic, type 2A (HSAN2A). Also called: HSAN IIA; ACROOSTEOLYSIS, GIACCAI TYPE; ACROOSTEOLYSIS, NEUROGENIC; MORVAN DISEASE; NEUROPATHY, CONGENITAL SENSORY; NEUROPATHY, HEREDITARY SENSORY RADICULAR, AUTOSOMAL RECESSIVE. Identifiers: Orphanet 970, MedGen C2752089, MONDO:0024309, OMIM 201300.

Submission:

Labcorp Genetics (formerly Invitae), Labcorp
Classification: Uncertain significance for Neuropathy, hereditary sensory and autonomic, type 2A; Generalized epilepsy with febrile seizures plus, type 7. Last evaluated: 2022-07-22. Review status: criteria provided, single submitter. Criteria: Invitae Variant Classification Sherloc (09022015). Collection method: clinical testing. Allele origin: germline.
Comment: In summary, the available evidence is currently insufficient to determine the role of this variant in disease. Therefore, it has been classified as a Variant of Uncertain Significance. Algorithms developed to predict the effect of missense changes on protein structure and function are either unavailable or do not agree on the potential impact of this missense change (SIFT: "Tolerated"; PolyPhen-2: "Probably Damaging"; Align-GVGD: "Class C0"). This variant has not been reported in the literature in individuals affected with SCN9A-related conditions. This variant is not present in population databases (gnomAD no frequency). This sequence change replaces valine, which is neutral and non-polar, with alanine, which is neutral and non-polar, at codon 1078 of the SCN9A protein (p.Val1078Ala).

NM_001365536.1(SCN9A):c.3266T>C (p.Val1089Ala)

Genes: SCN9A (sodium voltage-gated channel alpha subunit 9; minus strand), SCN1A-AS1 (SCN1A and SCN9A antisense RNA 1; plus strand). Cytogenetic location: 2q24.3.
Variant type: single nucleotide variant.
Coding change: c.3266T>C on transcript NM_001365536.1 (MANE Select); coding-DNA position 3266, T replaced by C.
Protein change: p.Val1089Ala; replaces valine 1089 with alanine.
Molecular consequence: missense variant.
Genome position (GRCh38, 1-based): chr2:166,272,484, A>G on the plus strand (T>C on the coding strand, the complement: SCN9A is on the minus strand). VCF-style: chr2-166272484-A-G. GRCh37 (hg19) VCF-style: chr2-167128994-A-G.
Other names: c.3233T>C, p.Val1078Ala (NM_002977.4); short protein forms V1078A, V1089A.
Identifiers: ClinVar variation 1713380 (VCV001713380.6), dbSNP rs2106460298, ClinGen allele CA349072782.